The following is an entry in ClinVar:

NM_005173.4(ATP2A3):c.301A>G (p.Asn101Asp)

Gene: ATP2A3 (ATPase sarcoplasmic/endoplasmic reticulum Ca2+ transporting 3; minus strand). Cytogenetic location: 17p13.2.
Variant type: single nucleotide variant.
Coding change: c.301A>G on transcript NM_005173.4 (MANE Select); coding-DNA position 301, A replaced by G.
Protein change: p.Asn101Asp; replaces asparagine 101 with aspartic acid.
Molecular consequence: missense variant.
Genome position (GRCh38, 1-based): chr17:3,951,604, T>C on the plus strand (A>G on the coding strand, the complement: ATP2A3 is on the minus strand). VCF-style: chr17-3951604-T-C. GRCh37 (hg19) VCF-style: chr17-3854898-T-C.
Other names: c.301A>G, p.Asn101Asp (NM_174953.3, NM_174954.3, NM_174955.3 and 3 more transcripts); short protein forms N101D.
Identifiers: ClinVar variation 2647244 (VCV002647244.24), dbSNP rs2509010449, ClinGen allele CA397230143.

ClinVar aggregate classification (germline): Uncertain significance (1 of 4 stars; one submission).

Submission:

CeGaT Center for Human Genetics Tuebingen
Classification: Uncertain significance. Last evaluated: 2022-07-01. Review status: criteria provided, single submitter. Criteria: CeGaT Center For Human Genetics Tuebingen Variant Classification Criteria Version 2. Collection method: clinical testing. Allele origin: germline. Affected: yes. Observed: 1 variant allele.
Comment: ATP2A3: PM2